The following is an entry in ClinVar:

ClinVar aggregate classification (germline): Uncertain significance (1 of 4 stars; one submission).

Conditions:
Wilson disease (WND). Also called: Wilson's disease. Identifiers: Orphanet 905, MedGen C0019202, MONDO:0010200, OMIM 277900. Disease mechanism: loss of function.

gnomAD v4.1: 1 of 1,614,162 alleles (0.000062%); highest among the groups gnomAD compares: Non-Finnish European, 0.000085%; no homozygotes.

Submission:

Color Diagnostics, LLC DBA Color Health
Classification: Uncertain significance for Wilson disease. Last evaluated: 2025-08-08. Review status: criteria provided, single submitter. Criteria: ACMG Guidelines, 2015. Collection method: clinical testing. Allele origin: germline.
Comment: This missense variant replaces aspartic acid with alanine at codon 1303 of the ATP7B protein. Computational prediction suggests that this variant may have deleterious impact on protein structure and function. To our knowledge, functional studies have not been reported for this variant. This variant has been observed with a pathogenic variant in an individual affected with autosomal recessive Wilson disease (PMID: 39535360), indicating that this variant contributes to disease. This variant has been identified in 1/249592 chromosomes in the general population by the Genome Aggregation Database (gnomAD). The available evidence is insufficient to determine the role of this variant in disease conclusively. Therefore, this variant is classified as a Variant of Uncertain Significance.

Literature cited by the submitters: PubMed 39535360.

NM_000053.4(ATP7B):c.3908A>C (p.Asp1303Ala)

Gene: ATP7B (ATPase copper transporting beta; minus strand). Cytogenetic location: 13q14.3.
Variant type: single nucleotide variant.
Coding change: c.3908A>C on transcript NM_000053.4 (MANE Select); coding-DNA position 3908, A replaced by C.
Protein change: p.Asp1303Ala; replaces aspartic acid 1303 with alanine.
Molecular consequence: missense variant.
Genome position (GRCh38, 1-based): chr13:51,937,389, T>G on the plus strand (A>C on the coding strand, the complement: ATP7B is on the minus strand). VCF-style: chr13-51937389-T-G. GRCh37 (hg19) VCF-style: chr13-52511525-T-G.
Other names: c.3287A>C, p.Asp1096Ala (NM_001005918.3); c.3575A>C, p.Asp1192Ala (NM_001243182.2); c.3674A>C, p.Asp1225Ala (NM_001330578.2, NM_001406527.1, NM_001406528.1); c.3656A>C, p.Asp1219Ala (NM_001330579.2, NM_001406531.1, NM_001406532.1); c.3908A>C, p.Asp1303Ala (NM_001406511.1, NM_001406512.1); c.3902A>C, p.Asp1301Ala (NM_001406513.1); c.3731A>C, p.Asp1244Ala (NM_001406524.1); c.3713A>C, p.Asp1238Ala (NM_001406525.1); and 21 more; short protein forms D1022A, D1076A, D1087A, D1096A, D1109A, D1139A, D1141A, D1154A.
Identifiers: ClinVar variation 4759144 (VCV004759144.1).
Genomic context (GRCh38, chr13:51,937,389, plus strand): 5'-ATGCGTATCCTTCGGACAGTCCTCTTGGAAAGGTGAATGCTAGCCACCACATCCAGCAAA[T>G]CATTCTGATGGAGAGGAGCACACAGTGAGGAAGGGGTCTGCCCATTGCCCTCCCAGCACC-3'
Protein context (NP_000044.2, residues 1293-1313): EAADVVLIRN[Asp1303Ala]LLDVVASIHL